The following is an entry in ClinVar:

NM_001009944.3(PKD1):c.3486_3489delinsGTTT (p.Asp1162Glu)

Gene: PKD1 (polycystin 1, transient receptor potential channel interacting; minus strand). Cytogenetic location: 16p13.3.
Variant type: Indel.
Coding change: c.3486_3489delinsGTTT on transcript NM_001009944.3 (MANE Select); coding-DNA positions 3486 to 3489, CTTC replaced by GTTT.
Protein change: p.Asp1162Glu; replaces aspartic acid 1162 with glutamic acid.
Molecular consequence: missense variant.
Genome position (GRCh38, 1-based): chr16:2,111,678-2,111,681, GAAG replaced by AAAC on the plus strand (CTTC replaced by GTTT on the coding strand, the reverse complement: PKD1 is on the minus strand). VCF-style: chr16-2111678-GAAG-AAAC. GRCh37 (hg19) VCF-style: chr16-2161679-GAAG-AAAC.
Other names: c.3486_3489delinsGTTT, p.Asp1162Glu (NM_000296.4); short protein forms D1162E.
Identifiers: ClinVar variation 997274 (VCV000997274.1), dbSNP rs2092509681, ClinGen allele CA2202047762.
Genomic context (GRCh38, chr16:2,111,678, plus strand): 5'-CGAGGCATAGGTGTGGTTGGCAGCCGGCTGGCTCTGGGTCAGGACAGGGGAGCCGTCCCC[GAAG>AAAC]TCCCACGTGTAAAGAACACCCCCAGGCGAGGGCAGCGGGTGCGGGTAGAAGGTGACGGGC-3'
Protein context (NP_001009944.3, residues 1152-1172): PSPGGVLYTW[Asp1162Glu]FGDGSPVLTQ

ClinVar aggregate classification (germline): Uncertain significance (0 of 4 stars; one submission).

Conditions:
Polycystic kidney disease. Also called: Polycystic kidney dysplasia; Kidney, Polycystic. Identifiers: MedGen C0022680, MeSH D007690, MONDO:0020642, HP:0000113.

Submission:

Department of Pathology and Laboratory Medicine, Sinai Health System
Classification: Uncertain significance for Polycystic Kidney disease. Review status: no assertion criteria provided. Collection method: clinical testing. Allele origin: unknown. Affected: yes. Study: The Canadian Open Genetics Repository (COGR).
Comment: The PKD1 p.Asp1162Glu variant was not identified in the literature nor was it identified in the dbSNP, ClinVar, LOVD 3.0, ADPKD Mutation Database, or PKD1-LOVD databases.The variant was not identified in the following control databases: the Exome Aggregation Consortium (August 8th 2016), or the Genome Aggregation Database (Feb 27, 2017). The p.Asp1162G residue is conserved in mammals and computational analyses (PolyPhen-2, SIFT, AlignGVGD, BLOSUM, MutationTaster) provide inconsistent predictions regarding the impact to the protein; this information is not very predictive of pathogenicity. The variant occurs outside of the splicing consensus sequence and in silico or computational prediction software programs (SpliceSiteFinder, MaxEntScan, NNSPLICE, GeneSplicer) do not predict a difference in splicing. In summary, based on the above information the clinical significance of this variant cannot be determined with certainty at this time. This variant is classified as a variant of uncertain significance.